The following is an entry in ClinVar:

NM_014000.3(VCL):c.*292G>C

Gene: VCL (vinculin; plus strand). Cytogenetic location: 10q22.2.
Variant type: single nucleotide variant.
Coding change: c.*292G>C on transcript NM_014000.3 (MANE Select); 292 bases downstream of the stop codon, G replaced by C.
Molecular consequence: 3 prime UTR variant.
Genome position (GRCh38, 1-based): chr10:74,118,461, G>C. VCF-style: chr10-74118461-G-C. GRCh37 (hg19) VCF-style: chr10-75878219-G-C.
Other names: c.*292G>C (NM_003373.4).
Identifiers: ClinVar variation 300802 (VCV000300802.8), dbSNP rs77295081, ClinGen allele CA10635962.

ClinVar aggregate classification (germline): Likely benign. Review status: criteria provided, multiple submitters, no conflicts (2 of 4 stars). 3 submissions from 3 submitters: Likely benign (3). Last evaluated 2018-06-16.

Conditions:
Dilated cardiomyopathy 1W (CMD1W). Identifiers: Orphanet 154, MedGen C1969639, MONDO:0012667, OMIM 611407.

Allele frequency attached by ClinVar (database versions not stated): gnomAD exomes 0.00186; 1000 Genomes Project 0.01358; gnomAD 0.01438 and 0.01549; 1000 Genomes Project 30x 0.01499; TOPMed 0.01657.
gnomAD v4.1: 2,697 of 431,194 alleles (0.63%); highest among the groups gnomAD compares: African/African-American, 4.9%; 64 homozygotes.

Submissions (3):

GeneDx
Classification: Likely benign. Last evaluated: 2018-06-16. Review status: criteria provided, single submitter. Criteria: GeneDx Variant Classification Process June 2021. Collection method: clinical testing. Allele origin: germline. Affected: yes.

Illumina Laboratory Services, Illumina
Classification: Likely benign for Dilated cardiomyopathy 1W. Last evaluated: 2018-01-13. Review status: criteria provided, single submitter. Criteria: ICSL Variant Classification Criteria 13 December 2019. Collection method: clinical testing. Allele origin: germline.
Comment: This variant was observed in the ICSL laboratory as part of a predisposition screen in an ostensibly healthy population. It had not been previously curated by ICSL or reported in the Human Gene Mutation Database (HGMD: prior to June 1st, 2018), and was therefore a candidate for classification through an automated scoring system. Utilizing variant allele frequency, disease prevalence and penetrance estimates, and inheritance mode, an automated score was calculated to assess if this variant is too frequent to cause the disease. Based on the score and internal cut-off values, a variant classified as likely benign is not then subjected to further curation. The score for this variant resulted in a classification of likely benign for this disease.

Breakthrough Genomics
Classification: Likely benign. Review status: criteria provided, single submitter. Criteria: ACMG Guidelines, 2015. Collection method: not provided. Allele origin: germline. Inheritance: Autosomal dominant inheritance. Affected: yes.